The following is an entry in ClinVar:

NM_020778.5(ALPK3):c.1958C>G (p.Ser653Ter)

Gene: ALPK3 (alpha kinase 3; plus strand). Cytogenetic location: 15q25.3.
Variant type: single nucleotide variant.
Coding change: c.1958C>G on transcript NM_020778.5 (MANE Select); coding-DNA position 1958, C replaced by G.
Protein change: p.Ser653Ter; replaces serine 653 with a stop codon.
Molecular consequence: nonsense.
Genome position (GRCh38, 1-based): chr15:84,856,696, C>G. VCF-style: chr15-84856696-C-G. GRCh37 (hg19) VCF-style: chr15-85399927-C-G.
Other names: short protein forms S653*.
Identifiers: ClinVar variation 2057137 (VCV002057137.5), dbSNP rs2505719344, ClinGen allele CA393355390.

ClinVar aggregate classification (germline): Pathogenic/Likely pathogenic. Review status: criteria provided, multiple submitters, no conflicts (2 of 4 stars). 2 submissions from 2 submitters: Pathogenic (1); Likely pathogenic (1). Last evaluated 2024-10-18.

gnomAD v4.1: 1 of 1,614,062 alleles (0.000062%); highest among the groups gnomAD compares: Non-Finnish European, 0.000085%; no homozygotes.

Submissions (2):

GeneDx
Classification: Likely pathogenic. Last evaluated: 2024-10-18. Review status: criteria provided, single submitter. Criteria: GeneDx Variant Classification Process June 2021. Collection method: clinical testing. Allele origin: germline. Affected: yes.
Comment: Identified in a patient with cardiomyopathy who also harbored a second variant in ALPK3 and a variant in MYBPC3 (PMID: 36660067); Not observed at significant frequency in large population cohorts (gnomAD); Nonsense variant predicted to result in protein truncation or nonsense mediated decay in a gene for which loss of function is a known mechanism of disease; This variant is associated with the following publications: (PMID: 36660067)

Labcorp Genetics (formerly Invitae), Labcorp
Classification: Pathogenic. Last evaluated: 2023-10-13. Review status: criteria provided, single submitter. Criteria: Invitae Variant Classification Sherloc (09022015). Collection method: clinical testing. Allele origin: germline.
Comment: This sequence change creates a premature translational stop signal (p.Ser855*) in the ALPK3 gene. It is expected to result in an absent or disrupted protein product. Loss-of-function variants in ALPK3 are known to be pathogenic (PMID: 21441111, 26846950, 27106955, 34263907). This variant is not present in population databases (gnomAD no frequency). This variant has not been reported in the literature in individuals affected with ALPK3-related conditions. ClinVar contains an entry for this variant (Variation ID: 2057137). For these reasons, this variant has been classified as Pathogenic.

Literature cited by the submitters: PubMed 21441111 (cited by Labcorp Genetics (formerly Invitae), Labcorp); PubMed 26846950 (cited by Labcorp Genetics (formerly Invitae), Labcorp); PubMed 27106955 (cited by Labcorp Genetics (formerly Invitae), Labcorp); PubMed 34263907 (cited by Labcorp Genetics (formerly Invitae), Labcorp).